The following is an entry in ClinVar:

NM_004260.4(RECQL4):c.3361G>A (p.Asp1121Asn)

Gene: RECQL4 (RecQ like helicase 4; minus strand). Cytogenetic location: 8q24.3.
Variant type: single nucleotide variant.
Coding change: c.3361G>A on transcript NM_004260.4 (MANE Select); coding-DNA position 3361, G replaced by A.
Protein change: p.Asp1121Asn; replaces aspartic acid 1121 with asparagine.
Molecular consequence: missense variant.
Genome position (GRCh38, 1-based): chr8:144,511,943, C>T on the plus strand (G>A on the coding strand, the complement: RECQL4 is on the minus strand). VCF-style: chr8-144511943-C-T. GRCh37 (hg19) VCF-style: chr8-145737326-C-T.
Other names: short protein forms D1121N.
Identifiers: ClinVar variation 407036 (VCV000407036.9), dbSNP rs377390897, ClinGen allele CA4947803.

ClinVar aggregate classification (germline): Uncertain significance. Review status: criteria provided, multiple submitters, no conflicts (2 of 4 stars). 2 submissions from 2 submitters: Uncertain significance (2). Last evaluated 2025-12-26.

Conditions:
Baller-Gerold syndrome (BGS). Also called: CRANIOSYNOSTOSIS WITH RADIAL DEFECTS. Identifiers: Orphanet 1225, MedGen C0265308, MONDO:0009039, OMIM 218600.

Allele frequency attached by ClinVar (database versions not stated): gnomAD 0.00006; ESP Exome Variant Server 0.00008; ExAC 0.00009; TOPMed 0.00009; gnomAD exomes 0.00012 and 0.00018.

Submissions (2):

Labcorp Genetics (formerly Invitae), Labcorp
Classification: Uncertain significance for Baller-Gerold syndrome. Last evaluated: 2025-12-26. Review status: criteria provided, single submitter. Criteria: Invitae Variant Classification Sherloc (09022015). Collection method: clinical testing. Allele origin: germline.
Comment: This sequence change replaces aspartic acid, which is acidic and polar, with asparagine, which is neutral and polar, at codon 1121 of the RECQL4 protein (p.Asp1121Asn). This variant is present in population databases (rs377390897, gnomAD 0.02%). This missense change has been observed in individual(s) with osteosarcoma, and a family history of breast, lung and prostate cancer (PMID: 27352193). ClinVar contains an entry for this variant (Variation ID: 407036). Experimental studies and prediction algorithms are not available or were not evaluated, and the functional significance of this variant is currently unknown. In summary, the available evidence is currently insufficient to determine the role of this variant in disease. Therefore, it has been classified as a Variant of Uncertain Significance.

Blueprint Genetics
Classification: Uncertain significance. Last evaluated: 2024-09-23. Review status: criteria provided, single submitter. Criteria: ACMG Guidelines, 2015. Collection method: clinical testing. Allele origin: germline.

Literature cited by the submitters: PubMed 27352193 (cited by Labcorp Genetics (formerly Invitae), Labcorp).